The following is an entry in ClinVar:

NC_000010.11:g.(?_13109103)_(13136886_?)del

Genes: OPTN (optineurin; plus strand), LOC108903149 (10p13 OPTN proximal Alu-mediated recombination region; plus strand), LOC130003372 (ATAC-STARR-seq lymphoblastoid active region 3050; plus strand), LOC108903148 (10p13 OPTN distal Alu-mediated recombination region; plus strand). Cytogenetic location: 10p13.
Variant type: Deletion.
Identifiers: ClinVar variation 529764 (VCV000529764.1).

ClinVar aggregate classification (germline): Pathogenic (1 of 4 stars; one submission).

Conditions:
Primary open angle glaucoma (POAG). Also called: OPTN-related open angle glaucoma. Identifiers: MedGen C0339573, MONDO:0100553, OMIM 137760.
Amyotrophic lateral sclerosis type 12 (ALS12). Also called: AMYOTROPHIC LATERAL SCLEROSIS 12 WITH OR WITHOUT FRONTOTEMPORAL DEMENTIA. Identifiers: Orphanet 803, MedGen C3150692, MONDO:0013264, OMIM 613435.
Glaucoma 1, open angle, E. Identifiers: MedGen C1842026, MONDO:0007665.

Submission:

Labcorp Genetics (formerly Invitae), Labcorp
Classification: Pathogenic for Primary open angle glaucoma; Glaucoma 1, open angle, E; Amyotrophic lateral sclerosis type 12. Last evaluated: 2017-12-07. Review status: criteria provided, single submitter. Criteria: Invitae Variant Classification Sherloc (09022015). Collection method: clinical testing. Allele origin: germline.
Comment: A gross deletion of the genomic region encompassing the full coding sequence of the OPTN gene has been identified. The boundaries of this event are unknown as the deletion extends beyond the assayed region for this gene and therefore may encompass additional genes. This variant has not been reported in the literature in individuals with OPTN-related disease. Loss-of-function variants in OPTN are known to be pathogenic (PMID: 20428114). For these reasons, this variant has been classified as Pathogenic.